The following is an entry in ClinVar:

NM_000755.5(CRAT):c.1231G>A (p.Val411Met)

Gene: CRAT (carnitine O-acetyltransferase; minus strand). Cytogenetic location: 9q34.11.
Variant type: single nucleotide variant.
Coding change: c.1231G>A on transcript NM_000755.5 (MANE Select); coding-DNA position 1231, G replaced by A.
Protein change: p.Val411Met; replaces valine 411 with methionine.
Molecular consequence: missense variant.
Genome position (GRCh38, 1-based): chr9:129,098,346, C>T on the plus strand (G>A on the coding strand, the complement: CRAT is on the minus strand). VCF-style: chr9-129098346-C-T. GRCh37 (hg19) VCF-style: chr9-131860625-C-T.
Other names: c.1168G>A, p.Val390Met (NM_001257363.3, NM_001346548.2, NM_004003.4); c.1234G>A, p.Val412Met (NM_001346546.2); c.1231G>A, p.Val411Met (NM_001346547.2); c.1111G>A, p.Val371Met (NM_001346549.2); short protein forms V390M, V411M, V412M, V371M.
Identifiers: ClinVar variation 4741972 (VCV004741972.1).

ClinVar aggregate classification (germline): Uncertain significance (1 of 4 stars; one submission).

gnomAD v4.1: 26 of 1,613,932 alleles (0.0016%); highest among the groups gnomAD compares: East Asian, 0.025%; no homozygotes.

Submission:

Labcorp Genetics (formerly Invitae), Labcorp
Classification: Uncertain significance. Last evaluated: 2025-11-19. Review status: criteria provided, single submitter. Criteria: Invitae Variant Classification Sherloc (09022015). Collection method: clinical testing. Allele origin: germline.
Comment: This sequence change replaces valine, which is neutral and non-polar, with methionine, which is neutral and non-polar, at codon 411 of the CRAT protein (p.Val411Met). This variant is present in population databases (rs182284225, gnomAD 0.04%). This variant has not been reported in the literature in individuals affected with CRAT-related conditions. Invitae Evidence Modeling of protein sequence and biophysical properties (such as structural, functional, and spatial information, amino acid conservation, physicochemical variation, residue mobility, and thermodynamic stability) indicates that this missense variant is not expected to disrupt CRAT protein function with a negative predictive value of 80%. In summary, the available evidence is currently insufficient to determine the role of this variant in disease. Therefore, it has been classified as a Variant of Uncertain Significance.